The following is an entry in ClinVar:

NM_198531.5(ATP9B):c.3072C>T (p.Gly1024=)

Gene: ATP9B (ATPase phospholipid transporting 9B; plus strand). Cytogenetic location: 18q23.
Variant type: single nucleotide variant.
Coding change: c.3072C>T on transcript NM_198531.5 (MANE Select); coding-DNA position 3072, C replaced by T.
Protein change: p.Gly1024=; no amino-acid change (glycine 1024 retained).
Molecular consequence: synonymous variant. On other transcripts: non-coding transcript variant (1).
Genome position (GRCh38, 1-based): chr18:79,373,899, C>T. VCF-style: chr18-79373899-C-T. GRCh37 (hg19) VCF-style: chr18-77133899-C-T.
Other names: c.3072C>T, p.Gly1024= (NM_001306085.2).
Identifiers: ClinVar variation 2648824 (VCV002648824.24), dbSNP rs149975826, ClinGen allele CA9008483.
Genomic context (GRCh38, chr18:79,373,899, plus strand): 5'-TCCTCTAGCTGGCTTACACCCTGCTCGTGTGCATGGAAAAAGCTCCTGCTGTTTTTCAGG[C>T]GGCATCCTCATGTATGGGGCCCTGGTGCTCTTCGAGTCTGAGTTCGTCCACGTGGTGGCC-3'
Protein context (NP_940933.3, residues 1014-1034): LIWVLISIYQ[Gly1024=]GILMYGALVL

ClinVar aggregate classification (germline): Likely benign (1 of 4 stars; one submission).

gnomAD v4.1: 44 of 1,612,426 alleles (0.0027%); highest among the groups gnomAD compares: East Asian, 0.06%; no homozygotes.

Submission:

CeGaT Center for Human Genetics Tuebingen
Classification: Likely benign. Last evaluated: 2023-03-01. Review status: criteria provided, single submitter. Criteria: CeGaT Center For Human Genetics Tuebingen Variant Classification Criteria Version 2. Collection method: clinical testing. Allele origin: germline. Affected: yes. Observed: 1 variant allele.
Comment: ATP9B: BP4, BP7